The following is an entry in ClinVar:

NM_007294.4(BRCA1):c.5278-19T>A

Gene: BRCA1 (BRCA1 DNA repair associated; minus strand). Cytogenetic location: 17q21.31.
Variant type: single nucleotide variant.
Coding change: c.5278-19T>A on transcript NM_007294.4 (MANE Select); 19 bases into the intron before coding-DNA position 5278, T replaced by A.
Molecular consequence: intron variant.
Genome position (GRCh38, 1-based): chr17:43,051,136, A>T on the plus strand (T>A on the coding strand, the complement: BRCA1 is on the minus strand). VCF-style: chr17-43051136-A-T. GRCh37 (hg19) VCF-style: chr17-41203153-A-T.
Other names: c.5134-19T>A (NM_001407740.1, NM_001407739.1, NM_001407741.1 and 21 more transcripts); c.1705-19T>A (NM_001408499.1, NM_001408498.1, NM_001408501.1 and 3 more transcripts); c.5011-19T>A (NM_001407933.1, NM_001407927.1, NM_001407931.1 and 4 more transcripts); c.5014-19T>A (NM_001407923.1, NM_001407922.1, NM_001407925.1 and 4 more transcripts); c.5137-19T>A (NM_001407725.1, NM_001407727.1, NM_001407724.1 and 13 more transcripts); c.1849-19T>A (NM_001408422.1, NM_001408423.1, NM_001408421.1 and 1 more transcripts); c.5065-19T>A (NM_001407896.1, NM_001407900.1, NM_001407571.1 and 12 more transcripts); c.4942-19T>A (NM_001407952.1, NM_001407950.1, NM_001407953.1 and 3 more transcripts); and 74 more.
Identifiers: ClinVar variation 700661 (VCV000700661.13), dbSNP rs1597804604, ClinGen allele CA915950046.

ClinVar aggregate classification (germline): Likely benign (1 of 4 stars; one submission).

Conditions:
Hereditary breast ovarian cancer syndrome. Also called: Hereditary breast and ovarian cancer syndrome (HBOC); Hereditary breast and ovarian cancer; BRCA1- and BRCA2-Associated Hereditary Breast and Ovarian Cancer; Breast and ovarian cancer; Hereditary breast and ovarian cancer syndrome; Hereditary breast and/or ovarian cancer syndrome. Identifiers: Orphanet 145, MedGen C0677776, MeSH D061325, MONDO:0003582. Disease mechanism: loss of function.

Allele frequency attached by ClinVar (database versions not stated): gnomAD exomes below 0.00001.
gnomAD v4.1: 2 of 1,608,940 alleles (0.00012%); highest among the groups gnomAD compares: Non-Finnish European, 0.00017%; no homozygotes.

Submissions (2):

Labcorp Genetics (formerly Invitae), Labcorp
Classification: Likely benign for Hereditary breast ovarian cancer syndrome. Last evaluated: 2026-01-06. Review status: criteria provided, single submitter. Criteria: Invitae Variant Classification Sherloc (09022015). Collection method: clinical testing. Allele origin: germline.

Brotman Baty Institute, University of Washington
No classification provided (evidence only). Condition: Breast-ovarian cancer, familial 1. Review status: no classification provided. Collection method: in vitro. Allele origin: not applicable. Functional consequence: functionally_normal. Not counted in ClinVar's aggregate classification.
ClinVar note: "not provided" was previously submitted as the classification for the variant. However, the classification appeared to be based only on an observation of functional data so it was converted to no classification on 2025-07-30.